The following is an entry in ClinVar:

ClinVar aggregate classification (germline): Uncertain significance (1 of 4 stars; one submission).

Allele frequency attached by ClinVar (database versions not stated): gnomAD exomes below 0.00001.

Submission:

Labcorp Genetics (formerly Invitae), Labcorp
Classification: Uncertain significance. Last evaluated: 2025-12-29. Review status: criteria provided, single submitter. Criteria: Invitae Variant Classification Sherloc (09022015). Collection method: clinical testing. Allele origin: germline.
Comment: This sequence change replaces valine, which is neutral and non-polar, with methionine, which is neutral and non-polar, at codon 191 of the SLC1A2 protein (p.Val191Met). This variant is present in population databases (no rsID available, gnomAD 0.003%). This variant has not been reported in the literature in individuals affected with SLC1A2-related conditions. ClinVar contains an entry for this variant (Variation ID: 2070319). Invitae Evidence Modeling of protein sequence and biophysical properties (such as structural, functional, and spatial information, amino acid conservation, physicochemical variation, residue mobility, and thermodynamic stability) indicates that this missense variant is not expected to disrupt SLC1A2 protein function with a negative predictive value of 80%. In summary, the available evidence is currently insufficient to determine the role of this variant in disease. Therefore, it has been classified as a Variant of Uncertain Significance.

NM_004171.4(SLC1A2):c.571G>A (p.Val191Met)

Gene: SLC1A2 (solute carrier family 1 member 2; minus strand). Cytogenetic location: 11p13.
Variant type: single nucleotide variant.
Coding change: c.571G>A on transcript NM_004171.4 (MANE Select); coding-DNA position 571, G replaced by A.
Protein change: p.Val191Met; replaces valine 191 with methionine.
Molecular consequence: missense variant.
Genome position (GRCh38, 1-based): chr11:35,306,233, C>T on the plus strand (G>A on the coding strand, the complement: SLC1A2 is on the minus strand). VCF-style: chr11-35306233-C-T. GRCh37 (hg19) VCF-style: chr11-35327780-C-T.
Other names: c.544G>A, p.Val182Met (NM_001195728.3, NM_001252652.2); short protein forms V191M, V182M.
Identifiers: ClinVar variation 2070319 (VCV002070319.4), dbSNP rs1287242258, ClinGen allele CA380128013.